The following is an entry in ClinVar:

ClinVar aggregate classification (germline): Uncertain significance. Review status: criteria provided, multiple submitters, no conflicts (2 of 4 stars). 2 submissions from 2 submitters: Uncertain significance (2). Last evaluated 2025-03-28.

gnomAD v4.1: 2 of 1,593,802 alleles (0.00013%); highest among the groups gnomAD compares: South Asian, 0.0011%; no homozygotes.

Submissions (2):

GeneDx
Classification: Uncertain significance. Last evaluated: 2025-03-28. Review status: criteria provided, single submitter. Criteria: GeneDx Variant Classification Process June 2021. Collection method: clinical testing. Allele origin: germline. Affected: yes.
Comment: In silico analysis supports that this missense variant has a deleterious effect on protein structure/function; Not observed at significant frequency in large population cohorts (gnomAD); This variant is associated with the following publications: (PMID: 33057194, 35982159)

Blueprint Genetics
Classification: Uncertain significance. Last evaluated: 2020-10-28. Review status: criteria provided, single submitter. Criteria: ACMG Guidelines, 2015. Collection method: clinical testing. Allele origin: germline.

NM_000719.7(CACNA1C):c.179G>A (p.Arg60Gln)

Gene: CACNA1C (calcium voltage-gated channel subunit alpha1 C; plus strand). Cytogenetic location: 12p13.33.
Variant type: single nucleotide variant.
Coding change: c.179G>A on transcript NM_000719.7 (MANE Select); coding-DNA position 179, G replaced by A.
Protein change: p.Arg60Gln; replaces arginine 60 with glutamine.
Molecular consequence: missense variant.
Genome position (GRCh38, 1-based): chr12:2,115,353, G>A. VCF-style: chr12-2115353-G-A. GRCh37 (hg19) VCF-style: chr12-2224519-G-A.
Other names: c.179G>A, p.Arg60Gln (NM_001129827.2, NM_001129829.2, NM_001129830.3 and 19 more transcripts); short protein forms R60Q.
Identifiers: ClinVar variation 4088176 (VCV004088176.2).